The following is an entry in ClinVar:

ClinVar aggregate classification (germline): Uncertain significance. Review status: criteria provided, multiple submitters, no conflicts (2 of 4 stars). 3 submissions from 3 submitters: Uncertain significance (3). Last evaluated 2026-04-03.

Conditions:
Malignant hyperthermia, susceptibility to, 1 (MHS1). Also called: Anesthesia related hyperthermia; Malignant hyperpyrexia; Fulminating hyperpyrexia; Pharmacogenic myopathy; RYR1-Related Malignant Hyperthermia Susceptibility; Malignant hyperthermia suceptibility 1. Identifiers: Orphanet 423, MedGen C2930980, MONDO:0007783, OMIM 145600.

Allele frequency attached by ClinVar (database versions not stated): gnomAD exomes below 0.00001.
gnomAD v4.1: 3 of 1,613,600 alleles (0.00019%); highest among the groups gnomAD compares: South Asian, 0.0011%; no homozygotes.

Submissions (3):

GeneDx
Classification: Uncertain significance. Last evaluated: 2026-04-03. Review status: criteria provided, single submitter. Criteria: GeneDx Variant Classification Process June 2021. Collection method: clinical testing. Allele origin: germline.
Comment: Not observed at significant frequency in large population cohorts (gnomAD); In silico analysis supports that this missense variant has a deleterious effect on protein structure/function; Has not been previously published as pathogenic or benign to our knowledge

All of Us Research Program, National Institutes of Health
Classification: Uncertain significance for Malignant hyperthermia, susceptibility to, 1. Last evaluated: 2023-05-04. Review status: criteria provided, single submitter. Criteria: ACMG Guidelines, 2015. Collection method: clinical testing. Allele origin: germline. Inheritance: Autosomal dominant inheritance. Observed: 1 variant allele, 1 heterozygote.
Comment: This missense variant replaces arginine with glutamine at codon 1409 of the RYR1 protein. Computational prediction is inconclusive regarding the impact of this variant on protein structure and function (internally defined REVEL score threshold 0.5 < inconclusive < 0.7, PMID: 27666373). To our knowledge, functional studies have not been reported for this variant. This variant has not been reported in individuals affected with RYR1-related disorders in the literature. This variant has not been identified in the general population by the Genome Aggregation Database (gnomAD). The available evidence is insufficient to determine the role of this variant in disease conclusively. Therefore, this variant is classified as a Variant of Uncertain Significance.

This study involves interpretation of variants in research participants for the purpose of population health screening. Participant phenotype was not available at the time of variant classification. Additional details can be found in publication PMID: 35346344, PMCID: PMC8962531

Baylor Genetics
Classification: Uncertain significance for Malignant hyperthermia, susceptibility to, 1. Last evaluated: 2022-03-06. Review status: criteria provided, single submitter. Criteria: ACMG Guidelines, 2015. Collection method: clinical testing. Allele origin: unknown.

NM_000540.3(RYR1):c.4226G>A (p.Arg1409Gln)

Gene: RYR1 (ryanodine receptor 1; plus strand). Cytogenetic location: 19q13.2.
Variant type: single nucleotide variant.
Coding change: c.4226G>A on transcript NM_000540.3 (MANE Select); coding-DNA position 4226, G replaced by A.
Protein change: p.Arg1409Gln; replaces arginine 1409 with glutamine.
Molecular consequence: missense variant.
Genome position (GRCh38, 1-based): chr19:38,475,383, G>A. VCF-style: chr19-38475383-G-A. GRCh37 (hg19) VCF-style: chr19-38966023-G-A.
Other names: c.4226G>A, p.Arg1409Gln (NM_001042723.2); short protein forms R1409Q.
Identifiers: ClinVar variation 2442154 (VCV002442154.3), dbSNP rs2514163798, ClinGen allele CA405644424.